The following is an entry in ClinVar:

NM_003872.3(NRP2):c.2285C>A (p.Pro762His)

Gene: NRP2 (neuropilin 2; plus strand). Cytogenetic location: 2q33.3.
Variant type: single nucleotide variant.
Coding change: c.2285C>A on transcript NM_003872.3 (MANE Select); coding-DNA position 2285, C replaced by A.
Protein change: p.Pro762His; replaces proline 762 with histidine.
Molecular consequence: missense variant.
Genome position (GRCh38, 1-based): chr2:205,763,914, C>A. VCF-style: chr2-205763914-C-A. GRCh37 (hg19) VCF-style: chr2-206628638-C-A.
Other names: c.2285C>A, p.Pro762His (NM_018534.4, NM_201266.2, NM_201267.2 and 1 more transcripts); short protein forms P762H.
Identifiers: ClinVar variation 2599325 (VCV002599325.3), dbSNP rs371362396, ClinGen allele CA2069348.

ClinVar aggregate classification (germline): Uncertain significance. Review status: criteria provided, single submitter (1 of 4 stars). 2 submissions from 2 submitters: Uncertain significance (1). 1 of the submissions does not count toward it. Last evaluated 2023-08-14.

Conditions:
NRP2-related disorder. Also called: NRP2-related condition.

Allele frequency attached by ClinVar (database versions not stated): gnomAD exomes 0.00001; ExAC 0.00002; TOPMed 0.00002; gnomAD 0.00003; ESP Exome Variant Server 0.00008.
gnomAD v4.1: 14 of 1,613,938 alleles (0.00087%); highest among the groups gnomAD compares: Non-Finnish European, 0.0011%; no homozygotes.

Submissions (2):

Ambry Genetics
Classification: Uncertain significance. Last evaluated: 2023-08-14. Review status: criteria provided, single submitter. Criteria: Ambry Variant Classification Scheme 2023. Collection method: clinical testing. Allele origin: germline.

PreventionGenetics, part of Exact Sciences
Classification: Uncertain significance for NRP2-related condition. Last evaluated: 2024-04-05. Review status: no assertion criteria provided. Collection method: clinical testing. Allele origin: germline. Not counted in ClinVar's aggregate classification.
Comment: The NRP2 c.2285C>A variant is predicted to result in the amino acid substitution p.Pro762His. To our knowledge, this variant has not been reported in the literature. This variant is reported in 0.0035% of alleles in individuals of European (Non-Finnish) descent in gnomAD. At this time, the clinical significance of this variant is uncertain due to the absence of conclusive functional and genetic evidence.